The following is an entry in ClinVar:

ClinVar aggregate classification (germline): Uncertain significance (1 of 4 stars; one submission).

Conditions:
Neuropathy, hereditary sensory and autonomic, type 2A (HSAN2A). Also called: HSAN IIA; ACROOSTEOLYSIS, GIACCAI TYPE; ACROOSTEOLYSIS, NEUROGENIC; WNK1-Related HSAN2 (HSAN2A); MORVAN DISEASE; NEUROPATHY, CONGENITAL SENSORY. Identifiers: Orphanet 970, MedGen C2752089, MONDO:0024309, OMIM 201300.
Pseudohypoaldosteronism type 2C (PHA2C). Also called: Pseudohypoaldosteronism Type IIC. Identifiers: Orphanet 757, Orphanet 88940, MedGen C1840391, MONDO:0013778, OMIM 614492.

Submission:

Labcorp Genetics (formerly Invitae), Labcorp
Classification: Uncertain significance for Neuropathy, hereditary sensory and autonomic, type 2A; Pseudohypoaldosteronism type 2C. Last evaluated: 2022-12-05. Review status: criteria provided, single submitter. Criteria: Invitae Variant Classification Sherloc (09022015). Collection method: clinical testing. Allele origin: germline.
Comment: This variant is not present in population databases (gnomAD no frequency). In summary, the available evidence is currently insufficient to determine the role of this variant in disease. Therefore, it has been classified as a Variant of Uncertain Significance. Advanced modeling of protein sequence and biophysical properties (such as structural, functional, and spatial information, amino acid conservation, physicochemical variation, residue mobility, and thermodynamic stability) performed at Invitae indicates that this missense variant is not expected to disrupt WNK1 protein function. ClinVar contains an entry for this variant (Variation ID: 573179). This variant has not been reported in the literature in individuals affected with WNK1-related conditions. This sequence change replaces valine, which is neutral and non-polar, with phenylalanine, which is neutral and non-polar, at codon 1297 of the WNK1 protein (p.Val1297Phe).

NM_018979.4(WNK1):c.3133G>T (p.Val1045Phe)

Gene: WNK1 (WNK lysine deficient protein kinase 1; plus strand). Cytogenetic location: 12p13.33.
Variant type: single nucleotide variant.
Coding change: c.3133G>T on transcript NM_018979.4 (MANE Select); coding-DNA position 3133, G replaced by T.
Protein change: p.Val1045Phe; replaces valine 1045 with phenylalanine.
Molecular consequence: missense variant.
Genome position (GRCh38, 1-based): chr12:881,713, G>T. VCF-style: chr12-881713-G-T. GRCh37 (hg19) VCF-style: chr12-990879-G-T.
Other names: c.3913G>T, p.Val1305Phe (NM_001184985.2); c.2392G>T, p.Val798Phe (NM_014823.3); c.3889G>T, p.Val1297Phe (NM_213655.5); short protein forms V1045F, V1297F, V1305F, V798F.
Identifiers: ClinVar variation 573179 (VCV000573179.8), dbSNP rs1565573971, ClinGen allele CA383327514.